The following is an entry in ClinVar:

ClinVar aggregate classification (germline): Likely benign (0 of 4 stars; one submission).

Conditions:
TREM2-related disorder. Also called: TREM2-related condition.

Allele frequency attached by ClinVar (database versions not stated): gnomAD 0.00001; gnomAD exomes 0.00001.
gnomAD v4.1: 17 of 1,614,116 alleles (0.0011%); highest among the groups gnomAD compares: Admixed American, 0.0017%; no homozygotes.

Submission:

PreventionGenetics, part of Exact Sciences
Classification: Likely benign for TREM2-related condition. Last evaluated: 2023-12-26. Review status: no assertion criteria provided. Collection method: clinical testing. Allele origin: germline.
Comment: This variant is classified as likely benign based on ACMG/AMP sequence variant interpretation guidelines (Richards et al. 2015 PMID: 25741868, with internal and published modifications).

NM_018965.4(TREM2):c.*2G>A

Gene: TREM2 (triggering receptor expressed on myeloid cells 2; minus strand). Cytogenetic location: 6p21.1.
Variant type: single nucleotide variant.
Coding change: c.*2G>A on transcript NM_018965.4 (MANE Select); 2 bases downstream of the stop codon, G replaced by A.
Molecular consequence: 3 prime UTR variant. On other transcripts: synonymous variant (1).
Genome position (GRCh38, 1-based): chr6:41,158,762, C>T on the plus strand (G>A on the coding strand, the complement: TREM2 is on the minus strand). VCF-style: chr6-41158762-C-T. GRCh37 (hg19) VCF-style: chr6-41126500-C-T.
Other names: c.501G>A, p.Lys167= (NM_001271821.2).
Identifiers: ClinVar variation 3061615 (VCV003061615.2), dbSNP rs1296579106, ClinGen allele CA567147726.